The following is an entry in ClinVar:

ClinVar aggregate classification (germline): Uncertain significance (1 of 4 stars; one submission).

Conditions:
Dystonia 25 (DYT25). Also called: DYT-GNAL. Identifiers: Orphanet 329466, MedGen C4304670, MONDO:0014033, OMIM 615073.

Submission:

Human Genetics Bochum, Ruhr University Bochum
Classification: Uncertain significance for Dystonia 25. Last evaluated: 2025-06-24. Review status: criteria provided, single submitter. Criteria: ACMG Guidelines, 2015. Collection method: clinical testing. Allele origin: germline. Affected: yes.
Comment: ACMG criteria used to clasify this variant: PP3_MOD, PM2_SUP

NM_182978.4(GNAL):c.983A>G (p.Asn328Ser)

Gene: GNAL (G protein subunit alpha L; plus strand). Cytogenetic location: 18p11.21.
Variant type: single nucleotide variant.
Coding change: c.983A>G on transcript NM_182978.4 (MANE Select); coding-DNA position 983, A replaced by G.
Protein change: p.Asn328Ser; replaces asparagine 328 with serine.
Molecular consequence: missense variant.
Genome position (GRCh38, 1-based): chr18:11,868,615, A>G. VCF-style: chr18-11868615-A-G. GRCh37 (hg19) VCF-style: chr18-11868614-A-G.
Other names: c.752A>G, p.Asn251Ser (NM_001142339.3, NM_001261443.2, NM_001369387.1); c.131A>G, p.Asn44Ser (NM_001261444.2); short protein forms N251S, N328S, N44S.
Identifiers: ClinVar variation 4687938 (VCV004687938.1).